The following is an entry in ClinVar:

NM_001276270.2(MBD4):c.812C>G (p.Ala271Gly)

Gene: MBD4 (methyl-CpG binding domain 4, DNA glycosylase; minus strand). Cytogenetic location: 3q21.3.
Variant type: single nucleotide variant.
Coding change: c.812C>G on transcript NM_001276270.2 (MANE Select); coding-DNA position 812, C replaced by G.
Protein change: p.Ala271Gly; replaces alanine 271 with glycine.
Molecular consequence: missense variant. On other transcripts: intron variant (1).
Genome position (GRCh38, 1-based): chr3:129,436,832, G>C on the plus strand (C>G on the coding strand, the complement: MBD4 is on the minus strand). VCF-style: chr3-129436832-G-C. GRCh37 (hg19) VCF-style: chr3-129155675-G-C.
Other names: c.812C>G, p.Ala271Gly (NM_001276271.2, NM_001276272.2, NM_003925.3); c.247+976C>G (NM_001276273.2); short protein forms A271G.
Identifiers: ClinVar variation 3678333 (VCV003678333.3).
Genomic context (GRCh38, chr3:129,436,832, plus strand): 5'-GAAATGCAGACAGTTCTATCAAGCTGACTTTTTTGTGCAACAGGTTCACTTTCAGCATCT[G>C]CTTTATTACACACAGATTCTCTTTTGCTATCACTTTGAACAAAACCTGAACAGCTCTTCC-3'
Protein context (NP_001263199.1, residues 261-281): DSKRESVCNK[Ala271Gly]DAESEPVAQK

ClinVar aggregate classification (germline): Uncertain significance. Review status: criteria provided, multiple submitters, no conflicts (2 of 4 stars). 2 submissions from 2 submitters: Uncertain significance (2). Last evaluated 2025-11-19.

Conditions:
Inborn genetic diseases. Identifiers: MedGen C0950123, MeSH D030342.

gnomAD v4.1: 5 of 1,614,074 alleles (0.00031%); highest among the groups gnomAD compares: Admixed American, 0.0017%; no homozygotes.

Submissions (2):

Ambry Genetics
Classification: Uncertain significance for Inborn genetic diseases. Last evaluated: 2025-11-19. Review status: criteria provided, single submitter. Criteria: Ambry Variant Classification Scheme 2023. Collection method: clinical testing. Allele origin: germline.
Comment: The p.A271G variant (also known as c.812C>G), located in coding exon 3 of the MBD4 gene, results from a C to G substitution at nucleotide position 812. The alanine at codon 271 is replaced by glycine, an amino acid with similar properties. This amino acid position is not well conserved in available vertebrate species. In addition, this alteration is predicted to be tolerated by in silico analysis. Based on the available evidence, the clinical significance of this variant remains unclear.

Labcorp Genetics (formerly Invitae), Labcorp
Classification: Uncertain significance. Last evaluated: 2024-07-04. Review status: criteria provided, single submitter. Criteria: Invitae Variant Classification Sherloc (09022015). Collection method: clinical testing. Allele origin: germline.
Comment: This sequence change replaces alanine, which is neutral and non-polar, with glycine, which is neutral and non-polar, at codon 271 of the MBD4 protein (p.Ala271Gly). This variant is present in population databases (rs753686324, gnomAD 0.003%). This variant has not been reported in the literature in individuals affected with MBD4-related conditions. An algorithm developed to predict the effect of missense changes on protein structure and function (PolyPhen-2) suggests that this variant is likely to be tolerated. In summary, the available evidence is currently insufficient to determine the role of this variant in disease. Therefore, it has been classified as a Variant of Uncertain Significance.